The following is an entry in ClinVar:

NM_138387.4(G6PC3):c.288G>C (p.Gln96His)

Gene: G6PC3 (glucose-6-phosphatase catalytic subunit 3; plus strand). Cytogenetic location: 17q21.31.
Variant type: single nucleotide variant.
Coding change: c.288G>C on transcript NM_138387.4 (MANE Select); coding-DNA position 288, G replaced by C.
Protein change: p.Gln96His; replaces glutamine 96 with histidine.
Molecular consequence: missense variant. On other transcripts: 5 prime UTR variant (4).
Genome position (GRCh38, 1-based): chr17:44,074,229, G>C. VCF-style: chr17-44074229-G-C. GRCh37 (hg19) VCF-style: chr17-42151597-G-C.
Other names: c.288G>C, p.Gln96His (NM_001319945.2); c.-58G>C (NM_001384165.1, NM_001384166.1, NM_001384167.1 and 1 more transcripts); short protein forms Q96H.
Identifiers: ClinVar variation 4871607 (VCV004871607.1).

ClinVar aggregate classification (germline): Uncertain significance (1 of 4 stars; one submission).

Conditions:
Inborn genetic diseases. Identifiers: MedGen C0950123, MeSH D030342.

Submission:

Ambry Genetics
Classification: Uncertain significance for Inborn genetic diseases. Last evaluated: 2026-06-02. Review status: criteria provided, single submitter. Criteria: Ambry Variant Classification Scheme 2023. Collection method: clinical testing. Allele origin: germline.
Comment: The p.Q96H variant (also known as c.288G>C), located in coding exon 2 of the G6PC3 gene, results from a G to C substitution at nucleotide position 288. The glutamine at codon 96 is replaced by histidine, an amino acid with highly similar properties. This amino acid position is conserved. In addition, this alteration is predicted to be tolerated by in silico analysis. Based on the available evidence, the clinical significance of this variant remains unclear.